The following is an entry in ClinVar:

NM_001122630.2(CDKN1C):c.31C>T (p.Pro11Ser)

Gene: CDKN1C (cyclin dependent kinase inhibitor 1C; minus strand). Cytogenetic location: 11p15.4.
Variant type: single nucleotide variant.
Coding change: c.31C>T on transcript NM_001122630.2 (MANE Select); coding-DNA position 31, C replaced by T.
Protein change: p.Pro11Ser; replaces proline 11 with serine.
Molecular consequence: missense variant.
Genome position (GRCh38, 1-based): chr11:2,885,426, G>A on the plus strand (C>T on the coding strand, the complement: CDKN1C is on the minus strand). VCF-style: chr11-2885426-G-A. GRCh37 (hg19) VCF-style: chr11-2906656-G-A.
Other names: c.64C>T, p.Pro22Ser (NM_000076.2, NM_001362474.2); c.31C>T, p.Pro11Ser (NM_001122631.2, NM_001362475.2); short protein forms P11S, P22S.
Identifiers: ClinVar variation 2109011 (VCV002109011.4), dbSNP rs1487817041, ClinGen allele CA379147893.

ClinVar aggregate classification (germline): Uncertain significance (1 of 4 stars; one submission).

Conditions:
Beckwith-Wiedemann syndrome (BWS). Also called: EMG SYNDROME; Exomphalos macroglossia gigantism syndrome. Identifiers: Orphanet 116, MedGen C0004903, MONDO:0007534, OMIM 130650.

Submission:

Labcorp Genetics (formerly Invitae), Labcorp
Classification: Uncertain significance for Beckwith-Wiedemann syndrome. Last evaluated: 2022-03-11. Review status: criteria provided, single submitter. Criteria: Invitae Variant Classification Sherloc (09022015). Collection method: clinical testing. Allele origin: germline.
Comment: In summary, the available evidence is currently insufficient to determine the role of this variant in disease. Therefore, it has been classified as a Variant of Uncertain Significance. Algorithms developed to predict the effect of missense changes on protein structure and function are either unavailable or do not agree on the potential impact of this missense change (SIFT: "Tolerated"; PolyPhen-2: "Probably Damaging"; Align-GVGD: "Class C0"). This variant is not present in population databases (gnomAD no frequency). This variant has not been reported in the literature in individuals affected with CDKN1C-related conditions. This sequence change replaces proline, which is neutral and non-polar, with serine, which is neutral and polar, at codon 22 of the CDKN1C protein (p.Pro22Ser).